The following is an entry in ClinVar:

NM_001384900.1(SEMA3D):c.1714C>T (p.Arg572Cys)

Gene: SEMA3D (semaphorin 3D; minus strand). Cytogenetic location: 7q21.11.
Variant type: single nucleotide variant.
Coding change: c.1714C>T on transcript NM_001384900.1 (MANE Select); coding-DNA position 1714, C replaced by T.
Protein change: p.Arg572Cys; replaces arginine 572 with cysteine.
Molecular consequence: missense variant.
Genome position (GRCh38, 1-based): chr7:85,012,836, G>A on the plus strand (C>T on the coding strand, the complement: SEMA3D is on the minus strand). VCF-style: chr7-85012836-G-A. GRCh37 (hg19) VCF-style: chr7-84642152-G-A.
Other names: c.1714C>T, p.Arg572Cys (NM_001384901.1, NM_001384902.1, NM_001384903.1 and 1 more transcripts); short protein forms R572C.
Identifiers: ClinVar variation 2629201 (VCV002629201.4), dbSNP rs754910513, ClinGen allele CA4323314.

ClinVar aggregate classification (germline): Uncertain significance. Review status: criteria provided, single submitter (1 of 4 stars). 2 submissions from 2 submitters: Uncertain significance (1). 1 of the submissions does not count toward it. Last evaluated 2025-04-16.

Conditions:
SEMA3D-related disorder. Also called: SEMA3D-related condition.

Allele frequency attached by ClinVar (database versions not stated): ExAC 0.00003; gnomAD 0.00003; gnomAD exomes 0.00003; TOPMed 0.00005.
gnomAD v4.1: 45 of 1,609,978 alleles (0.0028%); highest among the groups gnomAD compares: South Asian, 0.0088%; no homozygotes.

Submissions (2):

Ambry Genetics
Classification: Uncertain significance. Last evaluated: 2025-04-16. Review status: criteria provided, single submitter. Criteria: Ambry Variant Classification Scheme 2023. Collection method: clinical testing. Allele origin: germline.

PreventionGenetics, part of Exact Sciences
Classification: Uncertain significance for SEMA3D-related condition. Last evaluated: 2024-09-06. Review status: no assertion criteria provided. Collection method: clinical testing. Allele origin: germline. Not counted in ClinVar's aggregate classification.
Comment: The SEMA3D c.1714C>T variant is predicted to result in the amino acid substitution p.Arg572Cys. To our knowledge, this variant has not been reported in the literature. This variant is reported in 0.0062% of alleles in individuals of African descent in gnomAD. At this time, the clinical significance of this variant is uncertain due to the absence of conclusive functional and genetic evidence.